The following is an entry in ClinVar:

ClinVar aggregate classification (germline): Likely pathogenic. Review status: criteria provided, single submitter (1 of 4 stars). 2 submissions from 2 submitters: Likely pathogenic (1). 1 of the submissions does not count toward it. Last evaluated 2016-02-10.

Conditions:
Renal carnitine transport defect (CDSP). Also called: Primary carnitine deficiency; Systemic primary carnitine deficiency; Systemic primary carnitine deficiency disease; Carnitine transporter deficiency; Carnitine Deficiency, Systemic; CARNITINE DEFICIENCY, SYSTEMIC, DUE TO DEFECT IN RENAL REABSORPTION OF CARNITINE. Identifiers: Orphanet 158, MedGen C0342788, MONDO:0008919, OMIM 212140.

Allele frequency attached by ClinVar (database versions not stated): gnomAD exomes below 0.00001; TOPMed below 0.00001.
gnomAD v4.1: 3 of 1,614,136 alleles (0.00019%); highest among the groups gnomAD compares: Non-Finnish European, 0.000085%; no homozygotes.

Submissions (2):

GeneDx
Classification: Likely pathogenic. Last evaluated: 2016-02-10. Review status: criteria provided, single submitter. Criteria: GeneDx Variant Classification (06012015). Collection method: clinical testing. Allele origin: germline. Affected: yes.
Comment: The P281L missense change likely associated with primary/systemic carnitine deficiency (PCD) was identified in the SLC22A5 gene. It has not been published as a pathogenic variant, nor has it been reported as a benign polymorphism to our knowledge. The amino acid change is semi-conservative because both Proline and Leucine are uncharged, non-polar amino acids, but the replacement of a Proline with its unique ring structure could affect the secondary structure and function of the SLC22A5 protein. This change occurs at a highly conserved position in the SLC22A5 protein, and multiple missense variants at neighboring positions (S280F, R282Q, W283R, W283C) have been reported in association with PCD according to the Human Gene Mutation Database. Furthermore, multiple in-silico analysis programs predict that P281L is damaging to the SLC22A5 protein. Therefore, P281L is a strong candidate for a disease-causing variant, however the possibility that it is a benign variant cannot be excluded.

Counsyl
Classification: Uncertain significance for Renal carnitine transport defect. Last evaluated: 2018-12-18. Review status: no assertion criteria provided. Collection method: clinical testing. Allele origin: unknown. Not counted in ClinVar's aggregate classification.

NM_003060.4(SLC22A5):c.842C>T (p.Pro281Leu)

Gene: SLC22A5 (solute carrier family 22 member 5; plus strand). Cytogenetic location: 5q31.1.
Variant type: single nucleotide variant.
Coding change: c.842C>T on transcript NM_003060.4 (MANE Select); coding-DNA position 842, C replaced by T.
Protein change: p.Pro281Leu; replaces proline 281 with leucine.
Molecular consequence: missense variant.
Genome position (GRCh38, 1-based): chr5:132,387,042, C>T. VCF-style: chr5-132387042-C-T. GRCh37 (hg19) VCF-style: chr5-131722734-C-T.
Other names: c.914C>T, p.Pro305Leu (NM_001308122.2); short protein forms P281L, P305L.
Identifiers: ClinVar variation 418493 (VCV000418493.4), dbSNP rs1064793269, ClinGen allele CA16618116.